The following is an entry in ClinVar:

NM_001754.5(RUNX1):c.1011C>G (p.Pro337=)

Gene: RUNX1 (RUNX family transcription factor 1; minus strand). Cytogenetic location: 21q22.12.
Variant type: single nucleotide variant.
Coding change: c.1011C>G on transcript NM_001754.5 (MANE Select); coding-DNA position 1011, C replaced by G.
Protein change: p.Pro337=; no amino-acid change (proline 337 retained).
Molecular consequence: synonymous variant.
Genome position (GRCh38, 1-based): chr21:34,792,567, G>C on the plus strand (C>G on the coding strand, the complement: RUNX1 is on the minus strand). VCF-style: chr21-34792567-G-C. GRCh37 (hg19) VCF-style: chr21-36164864-G-C.
Other names: NM_001754.5(RUNX1):c.1011C>G; p.Pro337=; c.930C>G, p.Pro310= (NM_001001890.3).
Identifiers: ClinVar variation 1638952 (VCV001638952.9), dbSNP rs1037289303, ClinGen allele CA512341376.

ClinVar aggregate classification (germline): Likely benign. Review status: reviewed by expert panel (3 of 4 stars). 2 submissions from 2 submitters: Likely benign (1). 1 of the submissions does not count toward it. Last evaluated 2024-09-10.

Conditions:
Hereditary thrombocytopenia and hematological cancer predisposition syndrome associated with RUNX1. Also called: Familial Platelet Disorder with Propensity to Acute Myelogenous Leukemia; Familial thrombocytopenia with propensity to acute myelogenous leukemia; PLATELET DISORDER, ASPIRIN-LIKE; RUNX1 Familial Platelet Disorder with Associated Myeloid Malignancies. Identifiers: Orphanet 71290, MedGen C1832388, MeSH C563324, MONDO:0100083, OMIM 601399.
Hereditary thrombocytopenia and hematologic cancer predisposition syndrome. Identifiers: Orphanet 71290, MedGen CN281654, MONDO:0011071.

gnomAD v4.1: 1 of 1,606,270 alleles (0.000062%); highest among the groups gnomAD compares: Non-Finnish European, 0.000085%; no homozygotes.

Submissions (2):

ClinGen Myeloid Malignancy Variant Curation Expert Panel
Classification: Likely benign for Hereditary thrombocytopenia and hematologic cancer predisposition syndrome. Last evaluated: 2024-09-10. Review status: reviewed by expert panel. Criteria: ClinGen MyeloMalig ACMG Specifications v2. Collection method: curation. Allele origin: germline. Inheritance: Autosomal dominant inheritance.
Comment: NM_001754.5(RUNX1):c.1011C>G (p.Pro337=) is a synonymous variant which has a SpliceAI score ≤ 0.20 (0.0) (BP4). This variant has a SpliceAI score ≤ 0.20 (0.0) and evolutionary conservation algorithms predict the site as not being conserved (PhyloP score ≤ 2.0 (-1.62)) (BP7). This variant is completely absent from all population databases with at least 20x coverage for RUNX1 (PM2_Supporting). In summary, this variant meets criteria to be classified as likely benign. ACMG/AMP criteria applied, as specified by the Myeloid Malignancy Variant Curation Expert Panel for RUNX1: BP4, BP7, PM2_supporting.

Labcorp Genetics (formerly Invitae), Labcorp
Classification: Likely benign for Hereditary thrombocytopenia and hematological cancer predisposition syndrome associated with RUNX1. Last evaluated: 2024-04-29. Review status: criteria provided, single submitter. Criteria: Invitae Variant Classification Sherloc (09022015). Collection method: clinical testing. Allele origin: germline. Not counted in ClinVar's aggregate classification.